The following is an entry in ClinVar:

ClinVar aggregate classification (germline): Uncertain significance (1 of 4 stars; one submission).

Allele frequency attached by ClinVar (database versions not stated): ExAC 0.00002.
gnomAD v4.1: 3 of 1,613,892 alleles (0.00019%); highest among the groups gnomAD compares: Admixed American, 0.005%; no homozygotes.

Submission:

Labcorp Genetics (formerly Invitae), Labcorp
Classification: Uncertain significance. Last evaluated: 2022-03-12. Review status: criteria provided, single submitter. Criteria: Invitae Variant Classification Sherloc (09022015). Collection method: clinical testing. Allele origin: germline.
Comment: This variant has not been reported in the literature in individuals affected with IL18BP-related conditions. This variant is present in population databases (rs755558870, gnomAD 0.006%). This sequence change replaces phenylalanine, which is neutral and non-polar, with leucine, which is neutral and non-polar, at codon 148 of the IL18BP protein (p.Phe148Leu). Algorithms developed to predict the effect of missense changes on protein structure and function output the following: SIFT: "Tolerated"; PolyPhen-2: "Benign"; Align-GVGD: "Class C0". The leucine amino acid residue is found in multiple mammalian species, which suggests that this missense change does not adversely affect protein function. In summary, the available evidence is currently insufficient to determine the role of this variant in disease. Therefore, it has been classified as a Variant of Uncertain Significance.

NM_001039660.2(IL18BP):c.444C>A (p.Phe148Leu)

Gene: IL18BP (interleukin 18 binding protein; plus strand). Cytogenetic location: 11q13.4.
Variant type: single nucleotide variant.
Coding change: c.444C>A on transcript NM_001039660.2 (MANE Select); coding-DNA position 444, C replaced by A.
Protein change: p.Phe148Leu; replaces phenylalanine 148 with leucine.
Molecular consequence: missense variant. On other transcripts: intron variant (2).
Genome position (GRCh38, 1-based): chr11:72,001,489, C>A. VCF-style: chr11-72001489-C-A. GRCh37 (hg19) VCF-style: chr11-71712535-C-A.
Other names: c.444C>A, p.Phe148Leu (NM_001039659.2, NM_001145057.1, NM_005699.3 and 1 more transcripts); c.379+65C>A (NM_173044.3); c.236-295C>A (NM_001145055.1); short protein forms F148L.
Identifiers: ClinVar variation 2192274 (VCV002192274.4), dbSNP rs755558870, ClinGen allele CA6166245.